The following is an entry in ClinVar:

NM_004260.4(RECQL4):c.789A>G (p.Arg263=)

Gene: RECQL4 (RecQ like helicase 4; minus strand). Cytogenetic location: 8q24.3.
Variant type: single nucleotide variant.
Coding change: c.789A>G on transcript NM_004260.4 (MANE Select); coding-DNA position 789, A replaced by G.
Protein change: p.Arg263=; no amino-acid change (arginine 263 retained).
Molecular consequence: synonymous variant.
Genome position (GRCh38, 1-based): chr8:144,516,330, T>C on the plus strand (A>G on the coding strand, the complement: RECQL4 is on the minus strand). VCF-style: chr8-144516330-T-C. GRCh37 (hg19) VCF-style: chr8-145741714-T-C.
Identifiers: ClinVar variation 699181 (VCV000699181.24), dbSNP rs1430320264, ClinGen allele CA463567422.

ClinVar aggregate classification (germline): Likely benign. Review status: criteria provided, multiple submitters, no conflicts (2 of 4 stars). 3 submissions from 3 submitters: Likely benign (3). Last evaluated 2025-11-10.

Conditions:
Inborn genetic diseases. Identifiers: MedGen C0950123, MeSH D030342.
Baller-Gerold syndrome (BGS). Also called: CRANIOSYNOSTOSIS WITH RADIAL DEFECTS. Identifiers: Orphanet 1225, MedGen C0265308, MONDO:0009039, OMIM 218600.

Allele frequency attached by ClinVar (database versions not stated): gnomAD 0.00001; TOPMed 0.00001.
gnomAD v4.1: 9 of 1,609,518 alleles (0.00056%); highest among the groups gnomAD compares: Middle Eastern, 0.016%; no homozygotes.

Submissions (3):

Labcorp Genetics (formerly Invitae), Labcorp
Classification: Likely benign for Baller-Gerold syndrome. Last evaluated: 2025-11-10. Review status: criteria provided, single submitter. Criteria: Invitae Variant Classification Sherloc (09022015). Collection method: clinical testing. Allele origin: germline.

Ambry Genetics
Classification: Likely benign for Inborn genetic diseases. Last evaluated: 2025-02-01. Review status: criteria provided, single submitter. Criteria: Ambry Variant Classification Scheme 2023. Collection method: clinical testing. Allele origin: germline.

CeGaT Center for Human Genetics Tuebingen
Classification: Likely benign. Last evaluated: 2024-10-01. Review status: criteria provided, single submitter. Criteria: CeGaT Center For Human Genetics Tuebingen Variant Classification Criteria Version 2. Collection method: clinical testing. Allele origin: germline. Affected: yes. Observed: 1 variant allele.
Comment: RECQL4: BP4, BP7